The following is an entry in ClinVar:

NM_001379451.1(BCORL1):c.2079C>G (p.Ile693Met)

Gene: BCORL1 (BCL6 corepressor like 1; plus strand). Cytogenetic location: Xq26.1.
Variant type: single nucleotide variant.
Coding change: c.2079C>G on transcript NM_001379451.1 (MANE Select); coding-DNA position 2079, C replaced by G.
Protein change: p.Ile693Met; replaces isoleucine 693 with methionine.
Molecular consequence: missense variant.
Genome position (GRCh38, 1-based): chrX:130,014,851, C>G. VCF-style: chrX-130014851-C-G. GRCh37 (hg19) VCF-style: chrX-129148827-C-G.
Other names: c.2079C>G, p.Ile693Met (NM_001184772.3, NM_001379450.1, NM_021946.5); short protein forms I693M.
Identifiers: ClinVar variation 1302888 (VCV001302888.2), dbSNP rs144152824, ClinGen allele CA414588408.

ClinVar aggregate classification (germline): Uncertain significance (1 of 4 stars; one submission).

Submission:

GeneDx
Classification: Uncertain significance. Last evaluated: 2020-06-25. Review status: criteria provided, single submitter. Criteria: GeneDx Variant Classification Process June 2021. Collection method: clinical testing. Allele origin: germline. Affected: yes.
Comment: Has not been previously published as pathogenic or benign to our knowledge; Not observed in large population cohorts (Lek et al., 2016); In silico analysis supports that this missense variant does not alter protein structure/function